The following is an entry in ClinVar:

ClinVar aggregate classification (germline): Uncertain significance (1 of 4 stars; one submission).

Conditions:
Gorlin syndrome. Also called: Nevoid Basal Cell Carcinoma Syndrome; Basal cell nevus syndrome. Identifiers: Orphanet 377, MedGen C0004779, MONDO:0007187.

gnomAD v4.1: 2 of 1,612,370 alleles (0.00012%); highest among the groups gnomAD compares: Non-Finnish European, 0.00017%; no homozygotes.

Submission:

Labcorp Genetics (formerly Invitae), Labcorp
Classification: Uncertain significance for Gorlin syndrome. Last evaluated: 2024-11-11. Review status: criteria provided, single submitter. Criteria: Invitae Variant Classification Sherloc (09022015). Collection method: clinical testing. Allele origin: germline.
Comment: This sequence change replaces glycine, which is neutral and non-polar, with glutamic acid, which is acidic and polar, at codon 941 of the PTCH2 protein (p.Gly941Glu). This variant is present in population databases (no rsID available, gnomAD 0.0009%). This variant has not been reported in the literature in individuals affected with PTCH2-related conditions. Invitae Evidence Modeling of protein sequence and biophysical properties (such as structural, functional, and spatial information, amino acid conservation, physicochemical variation, residue mobility, and thermodynamic stability) has been performed for this missense variant. However, the output from this modeling did not meet the statistical confidence thresholds required to predict the impact of this variant on PTCH2 protein function. In summary, the available evidence is currently insufficient to determine the role of this variant in disease. Therefore, it has been classified as a Variant of Uncertain Significance.

NM_003738.5(PTCH2):c.2822G>A (p.Gly941Glu)

Gene: PTCH2 (patched 2; minus strand). Cytogenetic location: 1p34.1.
Variant type: single nucleotide variant.
Coding change: c.2822G>A on transcript NM_003738.5 (MANE Select); coding-DNA position 2822, G replaced by A.
Protein change: p.Gly941Glu; replaces glycine 941 with glutamic acid.
Molecular consequence: missense variant.
Genome position (GRCh38, 1-based): chr1:44,826,642, C>T on the plus strand (G>A on the coding strand, the complement: PTCH2 is on the minus strand). VCF-style: chr1-44826642-C-T. GRCh37 (hg19) VCF-style: chr1-45292314-C-T.
Other names: c.2822G>A, p.Gly941Glu (NM_001166292.2); short protein forms G941E.
Identifiers: ClinVar variation 3628516 (VCV003628516.2).